The following is an entry in ClinVar:

ClinVar aggregate classification (germline): Uncertain significance (1 of 4 stars; one submission).

Submission:

Labcorp Genetics (formerly Invitae), Labcorp
Classification: Uncertain significance. Last evaluated: 2024-06-24. Review status: criteria provided, single submitter. Criteria: Invitae Variant Classification Sherloc (09022015). Collection method: clinical testing. Allele origin: germline.
Comment: This sequence change replaces proline, which is neutral and non-polar, with serine, which is neutral and polar, at codon 138 of the ALPK3 protein (p.Pro138Ser). This variant is not present in population databases (gnomAD no frequency). This variant has not been reported in the literature in individuals affected with ALPK3-related conditions. An algorithm developed to predict the effect of missense changes on protein structure and function (PolyPhen-2) suggests that this variant is likely to be disruptive. In summary, the available evidence is currently insufficient to determine the role of this variant in disease. Therefore, it has been classified as a Variant of Uncertain Significance.

NC_000015.10:g.84817258C>T

Gene: ALPK3 (alpha kinase 3; plus strand). Cytogenetic location: 15q25.3.
Variant type: single nucleotide variant.
Genome position: GRCh38 VCF-style: chr15-84817258-C-T. GRCh37 (hg19) VCF-style: chr15-85360489-C-T.
Identifiers: ClinVar variation 3657635 (VCV003657635.2).